The following is an entry in ClinVar:

NM_015215.4(CAMTA1):c.1228T>C (p.Tyr410His)

Gene: CAMTA1 (calmodulin binding transcription activator 1; plus strand). Cytogenetic location: 1p36.23.
Variant type: single nucleotide variant.
Coding change: c.1228T>C on transcript NM_015215.4 (MANE Select); coding-DNA position 1228, T replaced by C.
Protein change: p.Tyr410His; replaces tyrosine 410 with histidine.
Molecular consequence: missense variant.
Genome position (GRCh38, 1-based): chr1:7,663,775, T>C. VCF-style: chr1-7663775-T-C. GRCh37 (hg19) VCF-style: chr1-7723835-T-C.
Other names: c.1138T>C, p.Tyr380His (NM_001349608.2, NM_001349612.2); c.1228T>C, p.Tyr410His (NM_001349609.2, NM_001349610.2, NM_001410737.1); c.1156T>C, p.Tyr386His (NM_001410738.1); short protein forms Y380H, Y386H, Y410H.
Identifiers: ClinVar variation 1979353 (VCV001979353.4), dbSNP rs779091805, ClinGen allele CA566405.

ClinVar aggregate classification (germline): Uncertain significance (1 of 4 stars; one submission).

Allele frequency attached by ClinVar (database versions not stated): ExAC 0.00001; gnomAD 0.00001; gnomAD exomes 0.00001; TOPMed 0.00001.
gnomAD v4.1: 17 of 1,613,934 alleles (0.0011%); highest among the groups gnomAD compares: Non-Finnish European, 0.0014%; no homozygotes.

Submission:

Labcorp Genetics (formerly Invitae), Labcorp
Classification: Uncertain significance. Last evaluated: 2022-05-10. Review status: criteria provided, single submitter. Criteria: Invitae Variant Classification Sherloc (09022015). Collection method: clinical testing. Allele origin: germline.
Comment: In summary, the available evidence is currently insufficient to determine the role of this variant in disease. Therefore, it has been classified as a Variant of Uncertain Significance. Algorithms developed to predict the effect of missense changes on protein structure and function are either unavailable or do not agree on the potential impact of this missense change (SIFT: "Tolerated"; PolyPhen-2: "Probably Damaging"; Align-GVGD: "Class C0"). This variant has not been reported in the literature in individuals affected with CAMTA1-related conditions. This variant is present in population databases (rs779091805, gnomAD 0.003%). This sequence change replaces tyrosine, which is neutral and polar, with histidine, which is basic and polar, at codon 410 of the CAMTA1 protein (p.Tyr410His).